The following is an entry in ClinVar:

ClinVar aggregate classification (germline): Uncertain significance (1 of 4 stars; one submission).

Conditions:
FG syndrome (FGS). Identifiers: MedGen C0220769, MONDO:0002010.

Submission:

Labcorp Genetics (formerly Invitae), Labcorp
Classification: Uncertain significance for FG syndrome. Last evaluated: 2023-10-04. Review status: criteria provided, single submitter. Criteria: Invitae Variant Classification Sherloc (09022015). Collection method: clinical testing. Allele origin: germline.
Comment: This sequence change replaces methionine, which is neutral and non-polar, with isoleucine, which is neutral and non-polar, at codon 613 of the MED12 protein (p.Met613Ile). This variant is not present in population databases (gnomAD no frequency). This variant has not been reported in the literature in individuals affected with MED12-related conditions. Advanced modeling of protein sequence and biophysical properties (such as structural, functional, and spatial information, amino acid conservation, physicochemical variation, residue mobility, and thermodynamic stability) performed at Invitae indicates that this missense variant is not expected to disrupt MED12 protein function. In summary, the available evidence is currently insufficient to determine the role of this variant in disease. Therefore, it has been classified as a Variant of Uncertain Significance.

NM_005120.3(MED12):c.1839G>A (p.Met613Ile)

Gene: MED12 (mediator complex subunit 12; plus strand). Cytogenetic location: Xq13.1.
Variant type: single nucleotide variant.
Coding change: c.1839G>A on transcript NM_005120.3 (MANE Select); coding-DNA position 1839, G replaced by A.
Protein change: p.Met613Ile; replaces methionine 613 with isoleucine.
Molecular consequence: missense variant.
Genome position (GRCh38, 1-based): chrX:71,124,253, G>A. VCF-style: chrX-71124253-G-A. GRCh37 (hg19) VCF-style: chrX-70344103-G-A.
Other names: short protein forms M613I.
Identifiers: ClinVar variation 2849482 (VCV002849482.3), dbSNP rs2519675367, ClinGen allele CA413509434.